The following is an entry in ClinVar:

NM_201384.3(PLEC):c.11530C>T (p.Arg3844Cys)

Gene: PLEC (plectin; minus strand). Cytogenetic location: 8q24.3.
Variant type: single nucleotide variant.
Coding change: c.11530C>T on transcript NM_201384.3 (MANE Select); coding-DNA position 11530, C replaced by T.
Protein change: p.Arg3844Cys; replaces arginine 3844 with cysteine.
Molecular consequence: missense variant.
Genome position (GRCh38, 1-based): chr8:143,918,291, G>A on the plus strand (C>T on the coding strand, the complement: PLEC is on the minus strand). VCF-style: chr8-143918291-G-A. GRCh37 (hg19) VCF-style: chr8-144992459-G-A.
Other names: c.11611C>T, p.Arg3871Cys (NM_000445.5); c.8230C>T, p.Arg2744Cys (NM_001410941.1); c.11488C>T, p.Arg3830Cys (NM_201378.4); c.11464C>T, p.Arg3822Cys (NM_201379.3); c.11941C>T, p.Arg3981Cys (NM_201380.4); c.11434C>T, p.Arg3812Cys (NM_201381.3); c.11530C>T, p.Arg3844Cys (NM_201382.4); c.11542C>T, p.Arg3848Cys (NM_201383.3); and 1 more; short protein forms R3848C, R3981C, R3812C, R3822C, R2744C, R3830C, R3871C, R3844C.
Identifiers: ClinVar variation 2138922 (VCV002138922.6), dbSNP rs782190295, ClinGen allele CA4924327.
Genomic context (GRCh38, chr8:143,918,291, plus strand): 5'-ACCGCCTGAGCAGCTGCGTGTAGCTGAGGCGCTCGTCGGTGGACGGGTCCACGTAGCTGC[G>A]CACCTCGCTGGGCTCTGACAGCTGGTCGTGCGTGTCCTTGTTGAGGTAGCCACGCTGGTA-3'
Protein context (NP_958786.1, residues 3834-3854): HDQLSEPSEV[Arg3844Cys]SYVDPSTDER

ClinVar aggregate classification (germline): Uncertain significance. Review status: criteria provided, multiple submitters, no conflicts (2 of 4 stars). 2 submissions from 2 submitters: Uncertain significance (2). Last evaluated 2025-10-06.

Conditions:
Epidermolysis bullosa simplex with nail dystrophy (EBS5D). Identifiers: MedGen C4225309, MONDO:0014661, OMIM 616487.
Epidermolysis bullosa simplex 5C, with pyloric atresia (EBS5C). Also called: Epidermolysis bullosa simplex with pyloric atresia; PLEC-Related Epidermolysis Bullosa with Pyloric Atresia; PLEC1-Related Epidermolysis Bullosa with Pyloric Atresia. Identifiers: Orphanet 158684, MedGen C2677349, MONDO:0012807, OMIM 612138.
Autosomal recessive limb-girdle muscular dystrophy type 2Q (LGMDR17). Also called: MUSCULAR DYSTROPHY, LIMB-GIRDLE, AUTOSOMAL RECESSIVE 17. Identifiers: Orphanet 254361, MedGen C3150989, MONDO:0013390, OMIM 613723.
Epidermolysis bullosa simplex 5B, with muscular dystrophy (EBS5B). Also called: Epidermolysis bullosa simplex with muscular dystrophy; EPIDERMOLYSIS BULLOSA SIMPLEX AND LIMB-GIRDLE MUSCULAR DYSTROPHY. Identifiers: Orphanet 257, MedGen C2931072, MONDO:0009181, OMIM 226670.
Epidermolysis bullosa simplex, Ogna type (EBS5A). Also called: Pidermolysis bullosa simplex 5A, Ogna type; EPIDERMOLYSIS BULLOSA SIMPLEX 5A, OGNA TYPE. Identifiers: Orphanet 79401, MedGen C0432317, MONDO:0007555, OMIM 131950.
Inborn genetic diseases. Identifiers: MedGen C0950123, MeSH D030342.

Allele frequency attached by ClinVar (database versions not stated): gnomAD 0.00001; ExAC 0.00003.
gnomAD v4.1: 16 of 1,591,966 alleles (0.001%); highest among the groups gnomAD compares: East Asian, 0.009%; no homozygotes.

Submissions (2):

Ambry Genetics
Classification: Uncertain significance for Inborn genetic diseases. Last evaluated: 2025-10-06. Review status: criteria provided, single submitter. Criteria: Ambry Variant Classification Scheme 2023. Collection method: clinical testing. Allele origin: germline.

Labcorp Genetics (formerly Invitae), Labcorp
Classification: Uncertain significance for Autosomal recessive limb-girdle muscular dystrophy type 2Q; Epidermolysis bullosa simplex, Ogna type; Epidermolysis bullosa simplex with nail dystrophy; Epidermolysis bullosa simplex 5C, with pyloric atresia; Epidermolysis bullosa simplex 5B, with muscular dystrophy. Last evaluated: 2025-04-28. Review status: criteria provided, single submitter. Criteria: Invitae Variant Classification Sherloc (09022015). Collection method: clinical testing. Allele origin: germline.
Comment: This sequence change replaces arginine, which is basic and polar, with cysteine, which is neutral and slightly polar, at codon 3871 of the PLEC protein (p.Arg3871Cys). This variant is present in population databases (rs782190295, gnomAD 0.02%). This variant has not been reported in the literature in individuals affected with PLEC-related conditions. ClinVar contains an entry for this variant (Variation ID: 2138922). An algorithm developed to predict the effect of missense changes on protein structure and function (PolyPhen-2) suggests that this variant is likely to be disruptive. In summary, the available evidence is currently insufficient to determine the role of this variant in disease. Therefore, it has been classified as a Variant of Uncertain Significance.